The following is an entry in ClinVar:

NM_000540.3(RYR1):c.706G>A (p.Asp236Asn)

Gene: RYR1 (ryanodine receptor 1; plus strand). Cytogenetic location: 19q13.2.
Variant type: single nucleotide variant.
Coding change: c.706G>A on transcript NM_000540.3 (MANE Select); coding-DNA position 706, G replaced by A.
Protein change: p.Asp236Asn; replaces aspartic acid 236 with asparagine.
Molecular consequence: missense variant.
Genome position (GRCh38, 1-based): chr19:38,446,546, G>A. VCF-style: chr19-38446546-G-A. GRCh37 (hg19) VCF-style: chr19-38937186-G-A.
Other names: c.706G>A, p.Asp236Asn (NM_001042723.2); short protein forms D236N.
Identifiers: ClinVar variation 3075352 (VCV003075352.1), dbSNP rs2513986900, ClinGen allele CA405679744.

ClinVar aggregate classification (germline): Uncertain significance (1 of 4 stars; one submission).

Conditions:
Malignant hyperthermia, susceptibility to, 1 (MHS1). Also called: Anesthesia related hyperthermia; Malignant hyperpyrexia; Fulminating hyperpyrexia; Pharmacogenic myopathy; RYR1-Related Malignant Hyperthermia Susceptibility; Malignant hyperthermia suceptibility 1. Identifiers: Orphanet 423, MedGen C2930980, MONDO:0007783, OMIM 145600.

Allele frequency attached by ClinVar (database versions not stated): gnomAD exomes below 0.00001.
gnomAD v4.1: 1 of 1,614,140 alleles (0.000062%); highest among the groups gnomAD compares: South Asian, 0.0011%; no homozygotes.

Submission:

All of Us Research Program, National Institutes of Health
Classification: Uncertain significance for Malignant hyperthermia, susceptibility to, 1. Last evaluated: 2024-01-11. Review status: criteria provided, single submitter. Criteria: ACMG Guidelines, 2015. Collection method: clinical testing. Allele origin: germline. Inheritance: Autosomal dominant inheritance. Observed: 1 variant allele, 1 heterozygote.
Comment: This study involves interpretation of variants in research participants for the purpose of population health screening. Participant phenotype was not available at the time of variant classification. Additional details can be found in publication PMID: 35346344, PMCID: PMC8962531